The following is an entry in ClinVar:

ClinVar aggregate classification (germline): Uncertain significance. Review status: criteria provided, multiple submitters, no conflicts (2 of 4 stars). 3 submissions from 3 submitters: Uncertain significance (3). Last evaluated 2025-08-20.

Conditions:
Atrial fibrillation, familial, 7 (ATFB7). Identifiers: MedGen C2677106, MONDO:0012828, OMIM 612240.

Allele frequency attached by ClinVar (database versions not stated): ExAC 0.00001; gnomAD exomes 0.00001; TOPMed 0.00001; gnomAD 0.00003 and 0.00004.
gnomAD v4.1: 16 of 1,613,724 alleles (0.00099%); highest among the groups gnomAD compares: African/African-American, 0.0027%; no homozygotes.

Submissions (3):

Labcorp Genetics (formerly Invitae), Labcorp
Classification: Uncertain significance for Atrial fibrillation, familial, 7. Last evaluated: 2025-08-20. Review status: criteria provided, single submitter. Criteria: Invitae Variant Classification Sherloc (09022015). Collection method: clinical testing. Allele origin: germline.
Comment: This sequence change replaces arginine, which is basic and polar, with tryptophan, which is neutral and slightly polar, at codon 597 of the KCNA5 protein (p.Arg597Trp). This variant is present in population databases (rs759691488, gnomAD 0.004%). This variant has not been reported in the literature in individuals affected with KCNA5-related conditions. ClinVar contains an entry for this variant (Variation ID: 882944). An algorithm developed to predict the effect of missense changes on protein structure and function (PolyPhen-2) suggests that this variant is likely to be disruptive. In summary, the available evidence is currently insufficient to determine the role of this variant in disease. Therefore, it has been classified as a Variant of Uncertain Significance.

Fulgent Genetics
Classification: Uncertain significance for Atrial fibrillation, familial, 7. Last evaluated: 2021-08-10. Review status: criteria provided, single submitter. Criteria: ACMG Guidelines, 2015. Collection method: clinical testing. Allele origin: unknown.

Illumina Laboratory Services, Illumina
Classification: Uncertain significance for Atrial fibrillation, familial, 7. Last evaluated: 2017-04-28. Review status: criteria provided, single submitter. Criteria: ICSL Variant Classification Criteria 13 December 2019. Collection method: clinical testing. Allele origin: germline.

NM_002234.4(KCNA5):c.1789C>T (p.Arg597Trp)

Gene: KCNA5 (potassium voltage-gated channel subfamily A member 5; plus strand). Cytogenetic location: 12p13.32.
Variant type: single nucleotide variant.
Coding change: c.1789C>T on transcript NM_002234.4 (MANE Select); coding-DNA position 1789, C replaced by T.
Protein change: p.Arg597Trp; replaces arginine 597 with tryptophan.
Molecular consequence: missense variant.
Genome position (GRCh38, 1-based): chr12:5,045,936, C>T. VCF-style: chr12-5045936-C-T. GRCh37 (hg19) VCF-style: chr12-5155102-C-T.
Other names: short protein forms R597W.
Identifiers: ClinVar variation 882944 (VCV000882944.6), dbSNP rs759691488, ClinGen allele CA6399949.